The following is an entry in ClinVar:

ClinVar aggregate classification (germline): Uncertain significance (1 of 4 stars; one submission).

gnomAD v4.1: 4 of 1,579,118 alleles (0.00025%); highest among the groups gnomAD compares: Non-Finnish European, 0.00034%; no homozygotes.

Submission:

Ambry Genetics
Classification: Uncertain significance. Last evaluated: 2025-05-18. Review status: criteria provided, single submitter. Criteria: Ambry Variant Classification Scheme 2023. Collection method: clinical testing. Allele origin: germline.
Comment: The p.S634N variant (also known as c.1901G>A), located in coding exon 8 of the WNK2 gene, results from a G to A substitution at nucleotide position 1901. The serine at codon 634 is replaced by asparagine, an amino acid with highly similar properties. This amino acid position is conserved. In addition, this alteration is predicted to be tolerated by in silico analysis. Based on the available evidence, the clinical significance of this variant remains unclear.

NM_006648.4(WNK2):c.1901G>A (p.Ser634Asn)

Gene: WNK2 (WNK lysine deficient protein kinase 2; plus strand). Cytogenetic location: 9q22.31.
Variant type: single nucleotide variant.
Coding change: c.1901G>A on transcript NM_006648.4 (MANE Select); coding-DNA position 1901, G replaced by A.
Protein change: p.Ser634Asn; replaces serine 634 with asparagine.
Molecular consequence: missense variant.
Genome position (GRCh38, 1-based): chr9:93,252,949, G>A. VCF-style: chr9-93252949-G-A. GRCh37 (hg19) VCF-style: chr9-96015231-G-A.
Other names: c.1901G>A, p.Ser634Asn (NM_001282394.3); short protein forms S634N.
Identifiers: ClinVar variation 3982068 (VCV003982068.1).